The following is an entry in ClinVar:

NM_030665.4(RAI1):c.5288C>T (p.Pro1763Leu)

Gene: RAI1 (retinoic acid induced 1; plus strand). Cytogenetic location: 17p11.2.
Variant type: single nucleotide variant.
Coding change: c.5288C>T on transcript NM_030665.4 (MANE Select); coding-DNA position 5288, C replaced by T.
Protein change: p.Pro1763Leu; replaces proline 1763 with leucine.
Molecular consequence: missense variant.
Genome position (GRCh38, 1-based): chr17:17,798,236, C>T. VCF-style: chr17-17798236-C-T. GRCh37 (hg19) VCF-style: chr17-17701550-C-T.
Other names: c.5288C>T (NM_030665.3); short protein forms P1763L.
Identifiers: ClinVar variation 2139563 (VCV002139563.5), dbSNP rs755395511, ClinGen allele CA8419129.

ClinVar aggregate classification (germline): Conflicting classifications of pathogenicity. Review status: criteria provided, conflicting classifications (1 of 4 stars). 2 submissions from 2 submitters: Uncertain significance (1); Benign (1). Last evaluated 2026-04-20.

Conditions:
RAI1-related disorder. Also called: RAI1-related condition.

Allele frequency attached by ClinVar (database versions not stated): TOPMed 0.00001.
gnomAD v4.1: 37 of 1,609,854 alleles (0.0023%); highest among the groups gnomAD compares: Admixed American, 0.0034%; no homozygotes.

Submissions (2):

PreventionGenetics, part of Exact Sciences
Classification: Uncertain significance for RAI1-related condition. Last evaluated: 2026-04-20. Review status: criteria provided, single submitter. Criteria: ACMG Guidelines, 2015. Collection method: clinical testing. Allele origin: germline.
Comment: The RAI1 c.5288C>T variant is predicted to result in the amino acid substitution p.Pro1763Leu. To our knowledge, this variant has not been reported in the literature. This variant is reported in 0.013% of alleles in individuals of European (Non-Finnish) descent in gnomAD, which may be too frequent to be a primary cause of disease. Although we suspect that this variant may be benign, at this time, the clinical significance of this variant is uncertain due to the absence of conclusive functional and genetic evidence.

Labcorp Genetics (formerly Invitae), Labcorp
Classification: Benign. Last evaluated: 2026-01-18. Review status: criteria provided, single submitter. Criteria: Invitae Variant Classification Sherloc (09022015). Collection method: clinical testing. Allele origin: germline.